The following is an entry in ClinVar:

ClinVar aggregate classification (germline): Uncertain significance (1 of 4 stars; one submission).

Allele frequency attached by ClinVar (database versions not stated): gnomAD exomes 0.00002; ExAC 0.00003; 1000 Genomes Project 0.00020; 1000 Genomes Project 30x 0.00031.
gnomAD v4.1: 27 of 1,614,056 alleles (0.0017%); highest among the groups gnomAD compares: Non-Finnish European, 0.0019%; no homozygotes.

Submission:

Labcorp Genetics (formerly Invitae), Labcorp
Classification: Uncertain significance. Last evaluated: 2020-12-26. Review status: criteria provided, single submitter. Criteria: Invitae Variant Classification Sherloc (09022015). Collection method: clinical testing. Allele origin: germline.
Comment: This sequence change replaces glutamic acid with lysine at codon 2195 of the HTT protein (p.Glu2195Lys). The glutamic acid residue is weakly conserved and there is a small physicochemical difference between glutamic acid and lysine. This variant is present in population databases (rs200008242, ExAC 0.006%). This variant has not been reported in the literature in individuals with HTT-related conditions. Experimental studies and prediction algorithms are not available or were not evaluated, and the functional significance of this variant is currently unknown. In summary, the available evidence is currently insufficient to determine the role of this variant in disease. Therefore, it has been classified as a Variant of Uncertain Significance.

NM_001388492.1(HTT):c.6577G>A (p.Glu2193Lys)

Gene: HTT (huntingtin; plus strand). Cytogenetic location: 4p16.3.
Variant type: single nucleotide variant.
Coding change: c.6577G>A on transcript NM_001388492.1 (MANE Select); coding-DNA position 6577, G replaced by A.
Protein change: p.Glu2193Lys; replaces glutamic acid 2193 with lysine.
Molecular consequence: missense variant.
Genome position (GRCh38, 1-based): chr4:3,212,091, G>A. VCF-style: chr4-3212091-G-A. GRCh37 (hg19) VCF-style: chr4-3213818-G-A.
Other names: c.6583G>A, p.Glu2195Lys (NM_002111.8); short protein forms E2193K, E2195K.
Identifiers: ClinVar variation 1371812 (VCV001371812.6), dbSNP rs200008242, ClinGen allele CA2825074.
Genomic context (GRCh38, chr4:3,212,091, plus strand): 5'-CTGGCCCGTGTGAGCGGCACCGTGCAGCAGCTCCCTGCTGTCCATCATGTCTTCCAGCCC[G>A]AGCTGCCTGCAGAGCCGGCGGCCTACTGGAGCAAGTTGAATGATCTGTTTGGTAATTAAA-3'
Protein context (NP_001375421.1, residues 2183-2203): LPAVHHVFQP[Glu2193Lys]LPAEPAAYWS